The following is an entry in ClinVar:

NM_015937.6(PIGT):c.1669C>T (p.Arg557Cys)

Gene: PIGT (phosphatidylinositol glycan anchor biosynthesis class T; plus strand). Cytogenetic location: 20q13.12.
Variant type: single nucleotide variant.
Coding change: c.1669C>T on transcript NM_015937.6 (MANE Select); coding-DNA position 1669, C replaced by T.
Protein change: p.Arg557Cys; replaces arginine 557 with cysteine.
Molecular consequence: missense variant. On other transcripts: non-coding transcript variant (5).
Genome position (GRCh38, 1-based): chr20:45,425,758, C>T. VCF-style: chr20-45425758-C-T. GRCh37 (hg19) VCF-style: chr20-44054398-C-T.
Other names: c.1501C>T, p.Arg501Cys (NM_001184728.3); c.1468C>T, p.Arg490Cys (NM_001184729.3); c.1363C>T, p.Arg455Cys (NM_001184730.3); short protein forms R501C, R455C, R490C, R557C.
Identifiers: ClinVar variation 2086961 (VCV002086961.3), dbSNP rs773224612, ClinGen allele CA9878351.
Genomic context (GRCh38, chr20:45,425,758, plus strand): 5'-GCCGTGTGCTATGGCTCCTTCTACAATCTCCTCACCCGAACCTTCCACATCGAGGAGCCC[C>T]GCACAGGTGGCCTGGCCAAGCGGCTGGCCAACCTTATCCGGCGCGCCCGAGGTGTCCCCC-3'
Protein context (NP_057021.2, residues 547-567): LTRTFHIEEP[Arg557Cys]TGGLAKRLAN

ClinVar aggregate classification (germline): Uncertain significance (1 of 4 stars; one submission).

Conditions:
Multiple congenital anomalies-hypotonia-seizures syndrome 3 (MCAHS3). Also called: GLYCOSYLPHOSPHATIDYLINOSITOL BIOSYNTHESIS DEFECT 7. Identifiers: Orphanet 369837, MedGen C3809356, MONDO:0014165, OMIM 615398.

Allele frequency attached by ClinVar (database versions not stated): gnomAD 0.00001; TOPMed 0.00001; ExAC 0.00001.
gnomAD v4.1: 4 of 1,613,940 alleles (0.00025%); highest among the groups gnomAD compares: Non-Finnish European, 0.00034%; no homozygotes.

Submission:

Labcorp Genetics (formerly Invitae), Labcorp
Classification: Uncertain significance for Multiple congenital anomalies-hypotonia-seizures syndrome 3. Last evaluated: 2025-08-11. Review status: criteria provided, single submitter. Criteria: Invitae Variant Classification Sherloc (09022015). Collection method: clinical testing. Allele origin: germline.
Comment: This sequence change replaces arginine, which is basic and polar, with cysteine, which is neutral and slightly polar, at codon 557 of the PIGT protein (p.Arg557Cys). This variant is not present in population databases (gnomAD no frequency). This variant has not been reported in the literature in individuals affected with PIGT-related conditions. ClinVar contains an entry for this variant (Variation ID: 2086961). Invitae Evidence Modeling of protein sequence and biophysical properties (such as structural, functional, and spatial information, amino acid conservation, physicochemical variation, residue mobility, and thermodynamic stability) indicates that this missense variant is not expected to disrupt PIGT protein function with a negative predictive value of 95%. In summary, the available evidence is currently insufficient to determine the role of this variant in disease. Therefore, it has been classified as a Variant of Uncertain Significance.